The following is an entry in ClinVar:

ClinVar aggregate classification (germline): Uncertain significance. Review status: criteria provided, multiple submitters, no conflicts (2 of 4 stars). 5 submissions from 4 submitters: Uncertain significance (4). 1 of the submissions does not count toward it. Last evaluated 2022-06-26.

Conditions:
SYNE1-related disorder. Also called: SYNE1-related disorders; SYNE1-related disease; SYNE1-related condition.
Autosomal recessive ataxia, Beauce type. Also called: Spinocerebellar ataxia, autosomal recessive 8; ATAXIA, RECESSIVE, OF BEAUCE; SYNE1 Deficiency; SYNE1-Related Autosomal Recessive Cerebellar Ataxia. Identifiers: Orphanet 88644, MedGen C1853116, MONDO:0012549, OMIM 610743.
Emery-Dreifuss muscular dystrophy 4, autosomal dominant (EDMD4). Also called: EMERY-DREIFUSS MUSCULAR DYSTROPHY 4 WITH VARIABLE FEATURES. Identifiers: Orphanet 261, MedGen C2751807, MONDO:0013071, OMIM 612998.

Allele frequency attached by ClinVar (database versions not stated): ExAC 0.00001; gnomAD 0.00001 and 0.00002; gnomAD exomes 0.00001; TOPMed 0.00002.
gnomAD v4.1: 16 of 1,614,054 alleles (0.00099%); highest among the groups gnomAD compares: South Asian, 0.0022%; no homozygotes.

Submissions (5):

Labcorp Genetics (formerly Invitae), Labcorp
Classification: Uncertain significance for Emery-Dreifuss muscular dystrophy 4, autosomal dominant; Autosomal recessive ataxia, Beauce type. Last evaluated: 2022-06-26. Review status: criteria provided, single submitter. Criteria: Invitae Variant Classification Sherloc (09022015). Collection method: clinical testing. Allele origin: germline.
Comment: This sequence change replaces arginine, which is basic and polar, with glutamine, which is neutral and polar, at codon 8046 of the SYNE1 protein (p.Arg8046Gln). This variant is present in population databases (rs777435137, gnomAD 0.003%). This variant has not been reported in the literature in individuals affected with SYNE1-related conditions. ClinVar contains an entry for this variant (Variation ID: 287950). Algorithms developed to predict the effect of missense changes on protein structure and function are either unavailable or do not agree on the potential impact of this missense change (SIFT: "Deleterious"; PolyPhen-2: "Probably Damaging"; Align-GVGD: "Class C0"). In summary, the available evidence is currently insufficient to determine the role of this variant in disease. Therefore, it has been classified as a Variant of Uncertain Significance.

Illumina Laboratory Services, Illumina
Classification: Uncertain significance for Autosomal recessive ataxia, Beauce type. Last evaluated: 2018-01-12. Review status: criteria provided, single submitter. Criteria: ICSL Variant Classification Criteria 13 December 2019. Collection method: clinical testing. Allele origin: germline.

Illumina Laboratory Services, Illumina
Classification: Uncertain significance for Emery-Dreifuss muscular dystrophy 4, autosomal dominant. Last evaluated: 2018-01-12. Review status: criteria provided, single submitter. Criteria: ICSL Variant Classification Criteria 13 December 2019. Collection method: clinical testing. Allele origin: germline.

Eurofins Ntd Llc (ga)
Classification: Uncertain significance. Last evaluated: 2016-05-25. Review status: criteria provided, single submitter. Criteria: EGL Classification Definitions 2015. Collection method: clinical testing. Allele origin: germline. Observed: 1 variant allele, 1 heterozygote.

PreventionGenetics, part of Exact Sciences
Classification: Uncertain significance for SYNE1-related condition. Last evaluated: 2024-05-16. Review status: no assertion criteria provided. Collection method: clinical testing. Allele origin: germline. Not counted in ClinVar's aggregate classification.
Comment: The SYNE1 c.24137G>A variant is predicted to result in the amino acid substitution p.Arg8046Gln. To our knowledge, this variant has not been reported in the literature. This variant is reported in 0.0033% of alleles in individuals of South Asian descent in gnomAD. At this time, the clinical significance of this variant is uncertain due to the absence of conclusive functional and genetic evidence.

NM_182961.4(SYNE1):c.24350G>A (p.Arg8117Gln)

Gene: SYNE1 (spectrin repeat containing nuclear envelope protein 1; minus strand). Cytogenetic location: 6q25.2.
Variant type: single nucleotide variant.
Coding change: c.24350G>A on transcript NM_182961.4 (MANE Select); coding-DNA position 24350, G replaced by A.
Protein change: p.Arg8117Gln; replaces arginine 8117 with glutamine.
Molecular consequence: missense variant.
Genome position (GRCh38, 1-based): chr6:152,151,653, C>T on the plus strand (G>A on the coding strand, the complement: SYNE1 is on the minus strand). VCF-style: chr6-152151653-C-T. GRCh37 (hg19) VCF-style: chr6-152472788-C-T.
Other names: c.956G>A, p.Arg319Gln (NM_001347701.2); c.815G>A, p.Arg272Gln (NM_001347702.2); c.24137G>A, p.Arg8046Gln (NM_033071.5); short protein forms R8046Q, R8117Q, R272Q, R319Q.
Identifiers: ClinVar variation 287950 (VCV000287950.11), dbSNP rs777435137, ClinGen allele CA090971.